The following is an entry in ClinVar:

ClinVar aggregate classification (germline): Pathogenic. Review status: criteria provided, multiple submitters, no conflicts (2 of 4 stars). 3 submissions from 3 submitters: Pathogenic (3). Last evaluated 2024-12-03.

Conditions:
NF1-related disorder. Also called: NF1-related condition. Identifiers: MedGen CN379171.
Neurofibromatosis, type 1 (NF1). Also called: NEUROFIBROMATOSIS, TYPE I, SOMATIC; Neurofibromatosis, type I; VON RECKLINGHAUSEN DISEASE; Peripheral type neurofibromatosis. Identifiers: Orphanet 636, MedGen C0027831, MONDO:0018975, OMIM 162200. Disease mechanism: loss of function.
Hereditary cancer-predisposing syndrome. Also called: Neoplastic Syndromes, Hereditary; Tumor predisposition; Hereditary Cancer Syndrome; Hereditary neoplastic syndrome. Identifiers: Orphanet 140162, MedGen C0027672, MeSH D009386, MONDO:0015356.
Cardiovascular phenotype. Identifiers: MedGen CN230736.

Submissions (3):

Ambry Genetics
Classification: Pathogenic for Cardiovascular phenotype; Hereditary cancer-predisposing syndrome. Last evaluated: 2024-12-03. Review status: criteria provided, single submitter. Criteria: Ambry Variant Classification Scheme 2023. Collection method: clinical testing. Allele origin: germline.
Comment: The p.Y2141* pathogenic mutation (also known as c.6423C>G), located in coding exon 42 of the NF1 gene, results from a C to G substitution at nucleotide position 6423. This changes the amino acid from a tyrosine to a stop codon within coding exon 42. This variant is considered to be rare based on population cohorts in the Genome Aggregation Database (gnomAD). This alteration is expected to result in loss of function by premature protein truncation or nonsense-mediated mRNA decay. As such, this alteration is interpreted as a disease-causing mutation.

Labcorp Genetics (formerly Invitae), Labcorp
Classification: Pathogenic for Neurofibromatosis, type 1. Last evaluated: 2023-01-01. Review status: criteria provided, single submitter. Criteria: Invitae Variant Classification Sherloc (09022015). Collection method: clinical testing. Allele origin: germline.
Comment: Algorithms developed to predict the effect of sequence changes on RNA splicing suggest that this variant may create or strengthen a splice site. For these reasons, this variant has been classified as Pathogenic. ClinVar contains an entry for this variant (Variation ID: 857333). This variant has not been reported in the literature in individuals affected with NF1-related conditions. This variant is not present in population databases (gnomAD no frequency). This sequence change creates a premature translational stop signal (p.Tyr2141*) in the NF1 gene. It is expected to result in an absent or disrupted protein product. Loss-of-function variants in NF1 are known to be pathogenic (PMID: 10712197, 23913538).

Blueprint Genetics
Classification: Pathogenic for NF1-related disorders. Last evaluated: 2022-12-13. Review status: criteria provided, single submitter. Criteria: ACMG Guidelines, 2015. Collection method: clinical testing. Allele origin: germline. Affected: yes. Observed: 2 variant alleles.

Literature cited by the submitters: PubMed 10712197 (cited by Labcorp Genetics (formerly Invitae), Labcorp); PubMed 23913538 (cited by Labcorp Genetics (formerly Invitae), Labcorp).

NM_001042492.3(NF1):c.6486C>G (p.Tyr2162Ter)

Gene: NF1 (neurofibromin 1; plus strand). Cytogenetic location: 17q11.2.
Variant type: single nucleotide variant.
Coding change: c.6486C>G on transcript NM_001042492.3 (MANE Select); coding-DNA position 6486, C replaced by G.
Protein change: p.Tyr2162Ter; replaces tyrosine 2162 with a stop codon.
Molecular consequence: nonsense.
Genome position (GRCh38, 1-based): chr17:31,337,426, C>G. VCF-style: chr17-31337426-C-G. GRCh37 (hg19) VCF-style: chr17-29664444-C-G.
Other names: c.6423C>G, p.Tyr2141Ter (NM_000267.4); short protein forms Y2162*, Y2141*.
Identifiers: ClinVar variation 857333 (VCV000857333.8), dbSNP rs2069704625, ClinGen allele CA399013117.
Genomic context (GRCh38, chr17:31,337,426, plus strand): 5'-AGAAGAGACCAAGCAAGTTTTGAGACTCAGTCTGACAGAGTTCTCATTACCCAAATTTTA[C>G]TTGCTGTTTGGCATTAGCAAAGTCAAGTCAGCTGCTGTCATTGCCTTCCGTTCCAGTTAC-3'